The following is an entry in ClinVar:

ClinVar aggregate classification (germline): Uncertain significance (1 of 4 stars; one submission).

Conditions:
Combined immunodeficiency due to STIM1 deficiency. Also called: STIM1 DEFICIENCY; IMMUNODEFICIENCY 10. Identifiers: Orphanet 169090, Orphanet 317430, MedGen C2748557, MONDO:0013008, OMIM 612783.
Stormorken syndrome (STRMK). Also called: THROMBOCYTOPATHY, ASPLENIA, AND MIOSIS. Identifiers: Orphanet 3204, MedGen C1861451, MONDO:0008497, OMIM 185070.
Myopathy with tubular aggregates (TAM). Also called: Tubular Aggregate Myopathy. Identifiers: Orphanet 2593, MedGen C0410207, MONDO:0008051.

Submission:

Labcorp Genetics (formerly Invitae), Labcorp
Classification: Uncertain significance for Myopathy with tubular aggregates; Combined immunodeficiency due to STIM1 deficiency; Stormorken syndrome. Last evaluated: 2022-02-05. Review status: criteria provided, single submitter. Criteria: Invitae Variant Classification Sherloc (09022015). Collection method: clinical testing. Allele origin: germline.
Comment: Algorithms developed to predict the effect of missense changes on protein structure and function (SIFT, PolyPhen-2, Align-GVGD) all suggest that this variant is likely to be tolerated. In summary, the available evidence is currently insufficient to determine the role of this variant in disease. Therefore, it has been classified as a Variant of Uncertain Significance. This variant has not been reported in the literature in individuals affected with STIM1-related conditions. This variant is not present in population databases (gnomAD no frequency). This sequence change replaces leucine, which is neutral and non-polar, with serine, which is neutral and polar, at codon 205 of the STIM1 protein (p.Leu205Ser).

NM_001382567.1(STIM1):c.614T>C (p.Leu205Ser)

Gene: STIM1 (stromal interaction molecule 1; plus strand). Cytogenetic location: 11p15.4.
Variant type: single nucleotide variant.
Coding change: c.614T>C on transcript NM_001382567.1 (MANE Select); coding-DNA position 614, T replaced by C.
Protein change: p.Leu205Ser; replaces leucine 205 with serine.
Molecular consequence: missense variant. On other transcripts: non-coding transcript variant (2).
Genome position (GRCh38, 1-based): chr11:4,070,026, T>C. VCF-style: chr11-4070026-T-C. GRCh37 (hg19) VCF-style: chr11-4091256-T-C.
Other names: c.614T>C, p.Leu205Ser (NM_001277961.3, NM_001277962.2, NM_001382568.1 and 2 more transcripts); c.392T>C, p.Leu131Ser (NM_001382566.1, NM_001382573.1, NM_001382574.1 and 5 more transcripts); c.479T>C, p.Leu160Ser (NM_001382569.1); c.125T>C, p.Leu42Ser (NM_001382580.1, NM_001382581.1); c.386T>C, p.Val129Ala (NM_001382570.1); c.134T>C, p.Leu45Ser (NM_001382571.1); short protein forms L42S, L131S, L160S, L45S, L205S, V129A.
Identifiers: ClinVar variation 1489030 (VCV001489030.8), dbSNP rs2133161173, ClinGen allele CA379485950.